The following is an entry in ClinVar:

NM_001165963.4(SCN1A):c.2984T>G (p.Phe995Cys)

Gene: SCN1A (sodium voltage-gated channel alpha subunit 1; minus strand). Cytogenetic location: 2q24.3.
Variant type: single nucleotide variant.
Coding change: c.2984T>G on transcript NM_001165963.4 (MANE Select); coding-DNA position 2984, T replaced by G.
Protein change: p.Phe995Cys; replaces phenylalanine 995 with cysteine.
Molecular consequence: missense variant. On other transcripts: non-coding transcript variant (1).
Genome position (GRCh38, 1-based): chr2:166,036,493, A>C on the plus strand (T>G on the coding strand, the complement: SCN1A is on the minus strand). VCF-style: chr2-166036493-A-C. GRCh37 (hg19) VCF-style: chr2-166893003-A-C.
Other names: c.2900T>G, p.Phe967Cys (NM_001165964.3, NM_001353957.2, NM_001353958.2); c.2984T>G, p.Phe995Cys (NM_001202435.3, NM_001353948.2); c.2951T>G, p.Phe984Cys (NM_001353949.2, NM_001353950.2, NM_001353951.2 and 2 more transcripts); c.2948T>G, p.Phe983Cys (NM_001353954.2, NM_001353955.2); c.2897T>G, p.Phe966Cys (NM_001353960.2); c.542T>G, p.Phe181Cys (NM_001353961.2); short protein forms F984C, F995C, F983C, F181C, F966C, F967C.
Identifiers: ClinVar variation 167641 (VCV000167641.13), dbSNP rs727504138, ClinGen allele CA234856.

ClinVar aggregate classification (germline): Likely pathogenic. Review status: criteria provided, multiple submitters, no conflicts (2 of 4 stars). 4 submissions from 4 submitters: Likely pathogenic (3). 1 of the submissions does not count toward it. Last evaluated 2024-10-01.

Conditions:
Early-infantile DEE. Also called: Early infantile epileptic encephalopathy; Ohtahara syndrome; Early infantile epileptic encephalopathy with suppression bursts. Identifiers: Orphanet 1934, MedGen C0393706, MONDO:0800491.
Severe myoclonic epilepsy in infancy (DRVT). Also called: DEVELOPMENTAL AND EPILEPTIC ENCEPHALOPATHY 6A; Severe Myoclonic Epilepsy in Infancy (SMEI); Dravet syndrome; SEVERE MYOCLONIC EPILEPSY OF INFANCY; Epileptic encephalopathy, early infantile, 6 (Dravet syndrome). Identifiers: Orphanet 33069, MedGen C0751122, MONDO:0100135, OMIM 607208.

Submissions (4):

Institute of Human Genetics, University of Leipzig Medical Center
Classification: Likely pathogenic for Severe myoclonic epilepsy in infancy. Last evaluated: 2024-10-01. Review status: criteria provided, single submitter. Criteria: ACMG Guidelines, 2015. Collection method: clinical testing. Allele origin: unknown. Inheritance: Autosomal dominant inheritance. Affected: yes.
Comment: Criteria applied: PP3_STR,PM2,PM5,PS4_SUP

Neuberg Centre For Genomic Medicine, NCGM
Classification: Likely pathogenic for Severe myoclonic epilepsy in infancy. Last evaluated: 2023-07-22. Review status: criteria provided, single submitter. Criteria: ACMG Guidelines, 2015. Collection method: clinical testing. Allele origin: germline. Inheritance: Autosomal dominant inheritance. Affected: yes.
Comment: The missense c.2984T>G p.Phe995Cys variant in the SCN1A gene has not been reported previously as a pathogenic variant nor as a benign variant, to our knowledge. Different amino acid change p.Phe995Leu is reported as a known pathogenic variant Jiang et al., 2018. This variant has been reported to the ClinVar database as Uncertain Significance/ Likely Pathogenic. The variant is absent in gnomAD Exomes. The amino acid Phe at position 995 is changed to a Cys changing protein sequence and it might alter its composition and physico-chemical properties. Multiple lines of computational evidence Polyphen - Damaging, SIFT - Damaging and MutationTaster - Disease causing predict a damaging effect on protein structure and function for this variant. The amino acid change p.Phe995Cys in SCN1A is predicted as conserved by GERP++ and PhyloP across 100 vertebrates. However additional functional studies will ber equired to prove the pathogenicty. For these reasons, this variant has been classified as Likely Pathogenic.

Labcorp Genetics (formerly Invitae), Labcorp
Classification: Likely pathogenic for Early-infantile DEE. Last evaluated: 2022-06-23. Review status: criteria provided, single submitter. Criteria: Invitae Variant Classification Sherloc (09022015). Collection method: clinical testing. Allele origin: germline.
Comment: This variant has not been reported in the literature in individuals affected with SCN1A-related conditions. In summary, the currently available evidence indicates that the variant is pathogenic, but additional data are needed to prove that conclusively. Therefore, this variant has been classified as Likely Pathogenic. This variant disrupts the p.Phe995 amino acid residue in SCN1A. Other variant(s) that disrupt this residue have been determined to be pathogenic (PMID: 28012175, 30182498). This suggests that this residue is clinically significant, and that variants that disrupt this residue are likely to be disease-causing. Advanced modeling of protein sequence and biophysical properties (such as structural, functional, and spatial information, amino acid conservation, physicochemical variation, residue mobility, and thermodynamic stability) performed at Invitae indicates that this missense variant is expected to disrupt SCN1A protein function. ClinVar contains an entry for this variant (Variation ID: 167641). This variant is not present in population databases (gnomAD no frequency). This sequence change replaces phenylalanine, which is neutral and non-polar, with cysteine, which is neutral and slightly polar, at codon 995 of the SCN1A protein (p.Phe995Cys).

Eurofins Ntd Llc (ga)
Classification: Uncertain significance. Last evaluated: 2014-04-27. Review status: flagged submission. Criteria: EGL Classification Definitions 2015. Collection method: clinical testing. Allele origin: germline. Observed: 1 variant allele, 1 heterozygote. Not counted in ClinVar's aggregate classification.
ClinVar note: Reason: Older and outlier claim with insufficient supporting evidence

Literature cited by the submitters: PubMed 28012175 (cited by Labcorp Genetics (formerly Invitae), Labcorp); PubMed 30182498 (cited by Labcorp Genetics (formerly Invitae), Labcorp).